The following is an entry in ClinVar:

ClinVar aggregate classification (germline): Uncertain significance (1 of 4 stars; one submission).

Allele frequency attached by ClinVar (database versions not stated): gnomAD 0.00001 and 0.00002; TOPMed 0.00002; ExAC 0.00003; gnomAD exomes 0.00003 and 0.00004.
gnomAD v4.1: 42 of 1,612,360 alleles (0.0026%); highest among the groups gnomAD compares: South Asian, 0.0044%; 1 homozygote.

Submission:

Labcorp Genetics (formerly Invitae), Labcorp
Classification: Uncertain significance. Last evaluated: 2022-10-18. Review status: criteria provided, single submitter. Criteria: Invitae Variant Classification Sherloc (09022015). Collection method: clinical testing. Allele origin: germline.
Comment: This sequence change replaces glycine, which is neutral and non-polar, with arginine, which is basic and polar, at codon 96 of the AHR protein (p.Gly96Arg). In summary, the available evidence is currently insufficient to determine the role of this variant in disease. Therefore, it has been classified as a Variant of Uncertain Significance. Algorithms developed to predict the effect of missense changes on protein structure and function (SIFT, PolyPhen-2, Align-GVGD) all suggest that this variant is likely to be tolerated. ClinVar contains an entry for this variant (Variation ID: 1499828). This variant has not been reported in the literature in individuals affected with AHR-related conditions. This variant is present in population databases (rs766592204, gnomAD 0.007%).

NM_001621.5(AHR):c.286G>A (p.Gly96Arg)

Gene: AHR (aryl hydrocarbon receptor; plus strand). Cytogenetic location: 7p21.1.
Variant type: single nucleotide variant.
Coding change: c.286G>A on transcript NM_001621.5 (MANE Select); coding-DNA position 286, G replaced by A.
Protein change: p.Gly96Arg; replaces glycine 96 with arginine.
Molecular consequence: missense variant.
Genome position (GRCh38, 1-based): chr7:17,322,533, G>A. VCF-style: chr7-17322533-G-A. GRCh37 (hg19) VCF-style: chr7-17362157-G-A.
Other names: short protein forms G96R.
Identifiers: ClinVar variation 1499828 (VCV001499828.6), dbSNP rs766592204, ClinGen allele CA4171779.